The following is an entry in ClinVar:

NM_005585.5(SMAD6):c.140C>T (p.Pro47Leu)

Gene: SMAD6 (SMAD family member 6; plus strand). Cytogenetic location: 15q22.31.
Variant type: single nucleotide variant.
Coding change: c.140C>T on transcript NM_005585.5 (MANE Select); coding-DNA position 140, C replaced by T.
Protein change: p.Pro47Leu; replaces proline 47 with leucine.
Molecular consequence: missense variant. On other transcripts: non-coding transcript variant (1).
Genome position (GRCh38, 1-based): chr15:66,703,398, C>T. VCF-style: chr15-66703398-C-T. GRCh37 (hg19) VCF-style: chr15-66995736-C-T.
Other names: short protein forms P47L.
Identifiers: ClinVar variation 2916140 (VCV002916140.3), dbSNP rs1438458864, ClinGen allele CA392948693.

ClinVar aggregate classification (germline): Uncertain significance (1 of 4 stars; one submission).

Conditions:
Aortic valve disease 2 (AOVD2). Identifiers: MedGen C3542024, MONDO:0013902, OMIM 614823.

Allele frequency attached by ClinVar (database versions not stated): gnomAD exomes below 0.00001; gnomAD 0.00001.

Submission:

Labcorp Genetics (formerly Invitae), Labcorp
Classification: Uncertain significance for Aortic valve disease 2. Last evaluated: 2024-01-29. Review status: criteria provided, single submitter. Criteria: Invitae Variant Classification Sherloc (09022015). Collection method: clinical testing. Allele origin: germline.
Comment: This sequence change replaces proline, which is neutral and non-polar, with leucine, which is neutral and non-polar, at codon 47 of the SMAD6 protein (p.Pro47Leu). This variant is not present in population databases (gnomAD no frequency). This variant has not been reported in the literature in individuals affected with SMAD6-related conditions. Algorithms developed to predict the effect of missense changes on protein structure and function output the following: SIFT: "Not Available"; PolyPhen-2: "Benign"; Align-GVGD: "Not Available". The leucine amino acid residue is found in multiple mammalian species, which suggests that this missense change does not adversely affect protein function. In summary, the available evidence is currently insufficient to determine the role of this variant in disease. Therefore, it has been classified as a Variant of Uncertain Significance.